The following is an entry in ClinVar:

ClinVar aggregate classification (germline): Uncertain significance. Review status: criteria provided, multiple submitters, no conflicts (2 of 4 stars). 4 submissions from 4 submitters: Uncertain significance (4). Last evaluated 2026-07-17.

Conditions:
SDHD-related disorder. Also called: SDHD-related condition.
Carney-Stratakis syndrome. Also called: PARAGANGLIOMA AND GASTROINTESTINAL STROMAL TUMOR. Identifiers: Orphanet 97286, MedGen C1847319, MONDO:0011740, OMIM 606864.
Cowden syndrome 3 (CWS3). Identifiers: Orphanet 201, MedGen CN166604, MONDO:0014045.
Paragangliomas with sensorineural hearing loss. Identifiers: MedGen C1868633.
Pheochromocytoma. Also called: MAX-Related Hereditary Paraganglioma-Pheochromocytoma Syndrome. Identifiers: Orphanet 29072, MedGen C0031511, MONDO:0008233, OMIM 171300, HP:0002666.
Hereditary cancer-predisposing syndrome. Also called: Tumor predisposition; Hereditary neoplastic syndrome; Neoplastic Syndromes, Hereditary; Hereditary Cancer Syndrome. Identifiers: Orphanet 140162, MedGen C0027672, MeSH D009386, MONDO:0015356.

Allele frequency attached by ClinVar (database versions not stated): ExAC 0.00003; gnomAD 0.00003.
gnomAD v4.1: 14 of 1,613,874 alleles (0.00087%); highest among the groups gnomAD compares: Non-Finnish European, 0.00059%; no homozygotes.

Submissions (4):

PreventionGenetics, part of Exact Sciences
Classification: Uncertain significance for SDHD-related condition. Last evaluated: 2026-07-17. Review status: criteria provided, single submitter. Criteria: ACMG Guidelines, 2015. Collection method: clinical testing. Allele origin: germline.
Comment: The SDHD c.118A>G variant is predicted to result in the amino acid substitution p.Ile40Val. This variant was reported in an individual with paraganglioma (Neumann et al. 2009. PubMed ID: 19351833) and in one individual with a personal or family history of paraganglioma and/or pheochromocytoma (Andrews et al. 2018. PubMed ID: 29386252). This variant is reported in 0.0040% of alleles in individuals of European (Finnish) descent in gnomAD. This variant is interpreted as uncertain in ClinVar (Variation ID: 465221). At this time, the clinical significance of this variant is uncertain due to the absence of conclusive functional and genetic evidence.

Labcorp Genetics (formerly Invitae), Labcorp
Classification: Uncertain significance for Carney-Stratakis syndrome; Paragangliomas with sensorineural hearing loss; Pheochromocytoma; Cowden syndrome 3. Last evaluated: 2025-10-13. Review status: criteria provided, single submitter. Criteria: Invitae Variant Classification Sherloc (09022015). Collection method: clinical testing. Allele origin: germline.
Comment: This sequence change replaces isoleucine, which is neutral and non-polar, with valine, which is neutral and non-polar, at codon 40 of the SDHD protein (p.Ile40Val). This variant is present in population databases (rs146276662, gnomAD 0.004%). This missense change has been observed in individual(s) with a personal or family history of paraganglioma (PMID: 19351833, 29386252). ClinVar contains an entry for this variant (Variation ID: 465221). Invitae Evidence Modeling of protein sequence and biophysical properties (such as structural, functional, and spatial information, amino acid conservation, physicochemical variation, residue mobility, and thermodynamic stability) indicates that this missense variant is not expected to disrupt SDHD protein function with a negative predictive value of 95%. In summary, the available evidence is currently insufficient to determine the role of this variant in disease. Therefore, it has been classified as a Variant of Uncertain Significance.

Ambry Genetics
Classification: Uncertain significance for Hereditary cancer-predisposing syndrome. Last evaluated: 2025-10-09. Review status: criteria provided, single submitter. Criteria: Ambry Variant Classification Scheme 2023. Collection method: clinical testing. Allele origin: germline.
Comment: The p.I40V variant (also known as c.118A>G), located in coding exon 2 of the SDHD gene, results from an A to G substitution at nucleotide position 118. The isoleucine at codon 40 is replaced by valine, an amino acid with highly similar properties. In a study of 598 unrelated probands diagnosed with head and neck paraganglioma, this alteration was detected in 1 individual (Neumann HP et al. Cancer Res., 2009 Apr;69:3650-6). This amino acid position is poorly conserved in available vertebrate species. In addition, the in silico prediction for this alteration is inconclusive. Based on the available evidence, the clinical significance of this variant remains unclear.

GeneDx
Classification: Uncertain significance. Last evaluated: 2022-05-19. Review status: criteria provided, single submitter. Criteria: GeneDx Variant Classification Process June 2021. Collection method: clinical testing. Allele origin: germline. Affected: yes.
Comment: Not observed at significant frequency in large population cohorts (gnomAD); In silico analysis, which includes protein predictors and evolutionary conservation, supports that this variant does not alter protein structure/function; Observed in an individual with a head/neck paraganglioma (Neumann 2009); This variant is associated with the following publications: (PMID: 19351833, 29386252, 28748451)

Literature cited by the submitters: PubMed 19351833 (cited by Labcorp Genetics (formerly Invitae), Labcorp and Ambry Genetics); PubMed 29386252 (cited by Labcorp Genetics (formerly Invitae), Labcorp and Ambry Genetics); PubMed 28748451 (cited by Ambry Genetics).

NM_003002.4(SDHD):c.118A>G (p.Ile40Val)

Gene: SDHD (succinate dehydrogenase complex subunit D; plus strand). Cytogenetic location: 11q23.1.
Variant type: single nucleotide variant.
Coding change: c.118A>G on transcript NM_003002.4 (MANE Select); coding-DNA position 118, A replaced by G.
Protein change: p.Ile40Val; replaces isoleucine 40 with valine.
Molecular consequence: missense variant. On other transcripts: non-coding transcript variant (1), intron variant (1).
Genome position (GRCh38, 1-based): chr11:112,087,922, A>G. VCF-style: chr11-112087922-A-G. GRCh37 (hg19) VCF-style: chr11-111958646-A-G.
Other names: c.118A>G, p.Ile40Val (NM_001276503.2, NM_001276506.2); c.53-945A>G (NM_001276504.2); short protein forms I40V.
Identifiers: ClinVar variation 465221 (VCV000465221.20), dbSNP rs146276662, ClinGen allele CA070608.
Genomic context (GRCh38, chr11:112,087,922, plus strand): 5'-TTGCTTCGAACTCCAGTGGTCAGACCTGCTCATATCTCAGCATTTCTTCAGGACCGACCT[A>G]TCCCAGAATGGTGTGGAGTGCAGCACATACACTTGTCACCGAGCCACCATTGTATGTTCT-3'
Protein context (NP_002993.1, residues 30-50): HISAFLQDRP[Ile40Val]PEWCGVQHIH